The following is an entry in ClinVar:

ClinVar aggregate classification (germline): Pathogenic (1 of 4 stars; one submission).

Submission:

Labcorp Genetics (formerly Invitae), Labcorp
Classification: Pathogenic. Last evaluated: 2024-01-02. Review status: criteria provided, single submitter. Criteria: Invitae Variant Classification Sherloc (09022015). Collection method: clinical testing. Allele origin: germline.
Comment: This sequence change creates a premature translational stop signal (p.Asn296Lysfs*5) in the LCA5 gene. It is expected to result in an absent or disrupted protein product. Loss-of-function variants in LCA5 are known to be pathogenic (PMID: 17546029, 23946133). This variant is not present in population databases (gnomAD no frequency). This variant has not been reported in the literature in individuals affected with LCA5-related conditions. ClinVar contains an entry for this variant (Variation ID: 2003814). For these reasons, this variant has been classified as Pathogenic.

Literature cited by the submitters: PubMed 17546029; PubMed 23946133.

NM_001122769.3(LCA5):c.887dup (p.Asn296fs)

Gene: LCA5 (lebercilin LCA5; minus strand). Cytogenetic location: 6q14.1.
Variant type: Duplication.
Coding change: c.887dup on transcript NM_001122769.3 (MANE Select); coding-DNA position 887, one base duplicated (A; older notation c.887dupA).
Protein change: p.Asn296fs; shifts the reading frame from asparagine 296.
Molecular consequence: frameshift variant.
Genome position (GRCh38, 1-based): chr6:79,492,619, T duplicated on the plus strand (A on the coding strand, the reverse complement: LCA5 is on the minus strand); the first of 6 consecutive T bases (chr6:79,492,619-79,492,624); duplicating any one gives the same sequence. VCF-style (leftmost placement, unchanged base first): chr6-79492618-A-AT. GRCh37 (hg19) VCF-style: chr6-80202335-A-AT.
Other names: c.887dup, p.Asn296fs (NM_181714.4); short protein forms N296fs.
Identifiers: ClinVar variation 2003814 (VCV002003814.4), dbSNP rs748907928, ClinGen allele CA2580075891.